The following is an entry in ClinVar:

ClinVar aggregate classification (germline): Pathogenic (1 of 4 stars; one submission).

Conditions:
Bardet-Biedl syndrome (BBS). Identifiers: Orphanet 110, MedGen C0752166, MONDO:0015229.

Submission:

Labcorp Genetics (formerly Invitae), Labcorp
Classification: Pathogenic for Bardet-Biedl syndrome. Last evaluated: 2022-06-22. Review status: criteria provided, single submitter. Criteria: Invitae Variant Classification Sherloc (09022015). Collection method: clinical testing. Allele origin: germline.
Comment: For these reasons, this variant has been classified as Pathogenic. This variant has not been reported in the literature in individuals affected with BBS9-related conditions. This variant is a gross deletion of the genomic region encompassing exon(s) 1-2 of the BBS9 gene, which includes the initiator codon. This deletion extends beyond the assayed region for this gene and therefore may encompass additional genes. It is expected to result in an absent or disrupted protein product. Loss-of-function variants in BBS9 are known to be pathogenic (PMID: 16380913, 20177705).

Literature cited by the submitters: PubMed 16380913; PubMed 20177705.

NC_000007.13:g.(?_33054342)_(33185996_?)del

Genes: BBS9 (Bardet-Biedl syndrome 9; plus strand), NT5C3A (5'-nucleotidase, cytosolic IIIA; minus strand), RP9 (RP9 pre-mRNA splicing factor; minus strand). Cytogenetic location: 7p14.3.
Variant type: Deletion.
Identifiers: ClinVar variation 2427651 (VCV002427651.3).